The following is an entry in ClinVar:

ClinVar aggregate classification (germline): Pathogenic. Review status: criteria provided, multiple submitters, no conflicts (2 of 4 stars). 5 submissions from 5 submitters: Pathogenic (5). Last evaluated 2025-09-25.

Conditions:
Hereditary cancer-predisposing syndrome. Also called: Hereditary neoplastic syndrome; Neoplastic Syndromes, Hereditary; Hereditary Cancer Syndrome; Tumor predisposition. Identifiers: Orphanet 140162, MedGen C0027672, MeSH D009386, MONDO:0015356.
Familial cancer of breast. Also called: Hereditary breast cancer; hereditary breast carcinoma; BREAST CANCER, FAMILIAL. Identifiers: Orphanet 227535, MedGen C0346153, MONDO:0016419, OMIM 114480. Disease mechanism: loss of function.
Ataxia-telangiectasia syndrome (AT). Also called: LOUIS-BAR SYNDROME; Ataxia-telangiectasia, complementation group D; AT, COMPLEMENTATION GROUP C; ATAXIA-TELANGIECTASIA, COMPLEMENTATION GROUP A; ATAXIA-TELANGIECTASIA, FRESNO VARIANT; Ataxia-telangiectasia. Identifiers: Orphanet 100, MedGen C0004135, MONDO:0008840, OMIM 208900.

Submissions (5):

Ambry Genetics
Classification: Pathogenic for Hereditary cancer-predisposing syndrome. Last evaluated: 2025-09-25. Review status: criteria provided, single submitter. Criteria: Ambry Variant Classification Scheme 2023. Collection method: clinical testing. Allele origin: germline.
Comment: The c.5554dupC pathogenic mutation, located in coding exon 36 of the ATM gene, results from a duplication of C at nucleotide position 5554, causing a translational frameshift with a predicted alternate stop codon (p.Q1852Pfs*5). This variant has been identified in the homozygous state and/or in conjunction with other ATM variant(s) in individual(s) with features consistent with Ataxia telangiectasia (Amirifar P et al. Pediatr Allergy Immunol, 2021 Aug;32:1316-1326; Gilad S et al. Hum Mol Genet, 1996 Apr;5:433-9). This variant is considered to be rare based on population cohorts in the Genome Aggregation Database (gnomAD). This alteration is expected to result in loss of function by premature protein truncation or nonsense-mediated mRNA decay. As such, this alteration is interpreted as a disease-causing mutation.

Myriad Genetics, Inc.
Classification: Pathogenic for Familial cancer of breast. Last evaluated: 2024-01-25. Review status: criteria provided, single submitter. Criteria: Myriad Autosomal Dominant, Autosomal Recessive and X-Linked Classification Criteria (2023). Collection method: clinical testing. Allele origin: unknown.
Comment: This variant is considered pathogenic. This variant creates a frameshift predicted to result in premature protein truncation.

Labcorp Genetics (formerly Invitae), Labcorp
Classification: Pathogenic for Ataxia-telangiectasia syndrome. Last evaluated: 2023-10-13. Review status: criteria provided, single submitter. Criteria: Invitae Variant Classification Sherloc (09022015). Collection method: clinical testing. Allele origin: germline.
Comment: This sequence change creates a premature translational stop signal (p.Gln1852Profs*5) in the ATM gene. It is expected to result in an absent or disrupted protein product. Loss-of-function variants in ATM are known to be pathogenic (PMID: 23807571, 25614872). This variant is not present in population databases (gnomAD no frequency). This premature translational stop signal has been observed in individual(s) with ataxia-telangiectasia (PMID: 8845835). This variant is also known as 5554insC. ClinVar contains an entry for this variant (Variation ID: 490614). Algorithms developed to predict the effect of sequence changes on RNA splicing suggest that this variant may create or strengthen a splice site. For these reasons, this variant has been classified as Pathogenic.

CeGaT Center for Human Genetics Tuebingen
Classification: Pathogenic. Last evaluated: 2021-03-01. Review status: criteria provided, single submitter. Criteria: CeGaT Center For Human Genetics Tuebingen Variant Classification Criteria Version 2. Collection method: clinical testing. Allele origin: germline. Affected: yes. Observed: 3 variant alleles.

Color Diagnostics, LLC DBA Color Health
Classification: Pathogenic for Hereditary cancer-predisposing syndrome. Last evaluated: 2020-05-18. Review status: criteria provided, single submitter. Criteria: ACMG Guidelines, 2015. Collection method: clinical testing. Allele origin: germline.
Comment: This variant inserts 1 nucleotide in exon 37 of the ATM gene, creating a frameshift and premature translation stop signal. This variant is expected to result in an absent or non-functional protein product. This variant has been reported in individuals affected with ataxia telangiectasia in the homozygous state (PMID: 8845835). This variant has not been identified in the general population by the Genome Aggregation Database (gnomAD). Loss of ATM function is a known mechanism of disease. Based on the available evidence, this variant is classified as Pathogenic.

Literature cited by the submitters: PubMed 33547824 (cited by Ambry Genetics); PubMed 8845835 (cited by Ambry Genetics and Labcorp Genetics (formerly Invitae), Labcorp); PubMed 23807571 (cited by Labcorp Genetics (formerly Invitae), Labcorp); PubMed 25614872 (cited by Labcorp Genetics (formerly Invitae), Labcorp).

NM_000051.4(ATM):c.5554dup (p.Gln1852fs)

Gene: ATM (ATM serine/threonine kinase; plus strand). Cytogenetic location: 11q22.3.
Variant type: Duplication.
Coding change: c.5554dup on transcript NM_000051.4 (MANE Select); coding-DNA position 5554, one base duplicated (C; older notation c.5554dupC).
Protein change: p.Gln1852fs; shifts the reading frame from glutamine 1852.
Molecular consequence: frameshift variant.
Genome position (GRCh38, 1-based): chr11:108,304,732, C duplicated; the last of 2 consecutive C bases (chr11:108,304,731-108,304,732); duplicating either gives the same sequence. VCF-style (leftmost placement, unchanged base first): chr11-108304730-T-TC. GRCh37 (hg19) VCF-style: chr11-108175457-T-TC.
Other names: c.5554dupC (NM_000051.3); c.5554dup, p.Gln1852fs (NM_001351834.2); short protein forms Q1852fs.
Identifiers: ClinVar variation 490614 (VCV000490614.46), dbSNP rs1555107356, ClinGen allele CA658683125.
Genomic context (GRCh38, chr11:108,304,730, plus strand): 5'-TCTAGGTGAAAACTGACTTTTGTCAGACTGTACTTCCATACTTGATTCATGATATTTTAC[T>TC]CCAAGATACAAATGAATCATGGAGAAATCTGCTTTCTACACATGTTCAGGGATTTTTCAC-3'